The following is an entry in ClinVar:

ClinVar aggregate classification (germline): Likely pathogenic (1 of 4 stars; one submission).

Conditions:
Joubert syndrome 7 (JBTS7). Identifiers: Orphanet 220497, MedGen C1969053, MONDO:0012694, OMIM 611560.

Submission:

Broad Center for Mendelian Genomics, Broad Institute of MIT and Harvard
Classification: Likely pathogenic for Joubert syndrome 7. Last evaluated: 2023-01-25. Review status: criteria provided, single submitter. Criteria: ACMG Guidelines, 2015. Collection method: curation. Allele origin: germline. Inheritance: Autosomal recessive inheritance.
Comment: The p.Gln147Ter variant in RPGRIP1L has not been previously reported in individuals with Joubert syndrome 7. This variant was absent from large population studies. This nonsense variant leads to a premature termination codon at position 147, which is predicted to lead to a truncated or absent protein. Loss of function of the RPGRIP1L gene is strongly associated to autosomal recessive Joubert syndrome 7. In summary, although additional studies are required to fully establish its clinical significance, this variant is likely pathogenic for Joubert syndrome 7. ACMG/AMP Criteria applied: PVS1_Strong, PM2_Supporting, PM3_Supporting (Richards 2015).

NM_015272.5(RPGRIP1L):c.439C>T (p.Gln147Ter)

Gene: RPGRIP1L (RPGRIP1 like; minus strand). Cytogenetic location: 16q12.2.
Variant type: single nucleotide variant.
Coding change: c.439C>T on transcript NM_015272.5 (MANE Select); coding-DNA position 439, C replaced by T.
Protein change: p.Gln147Ter; replaces glutamine 147 with a stop codon.
Molecular consequence: nonsense.
Genome position (GRCh38, 1-based): chr16:53,692,156, G>A on the plus strand (C>T on the coding strand, the complement: RPGRIP1L is on the minus strand). VCF-style: chr16-53692156-G-A. GRCh37 (hg19) VCF-style: chr16-53726068-G-A.
Other names: NM_001308334.3:c.439C>T; c.439C>T, p.Gln147Ter (NM_001127897.4, NM_001308334.3, NM_001330538.2); short protein forms Q147*.
Identifiers: ClinVar variation 2412744 (VCV002412744.1), dbSNP rs2544705725, ClinGen allele CA395924803.